The following is an entry in ClinVar:

NM_001365951.3(KIF1B):c.4204A>G (p.Lys1402Glu)

Gene: KIF1B (kinesin family member 1B; plus strand). Cytogenetic location: 1p36.22.
Variant type: single nucleotide variant.
Coding change: c.4204A>G on transcript NM_001365951.3 (MANE Select); coding-DNA position 4204, A replaced by G.
Protein change: p.Lys1402Glu; replaces lysine 1402 with glutamic acid.
Molecular consequence: missense variant.
Genome position (GRCh38, 1-based): chr1:10,361,725, A>G. VCF-style: chr1-10361725-A-G. GRCh37 (hg19) VCF-style: chr1-10421783-A-G.
Other names: c.4204A>G, p.Lys1402Glu (NM_001365952.1); c.4066A>G, p.Lys1356Glu (NM_015074.3); short protein forms K1356E, K1402E.
Identifiers: ClinVar variation 1737504 (VCV001737504.2), dbSNP rs764604859, ClinGen allele CA582017.

ClinVar aggregate classification (germline): Uncertain significance (1 of 4 stars; one submission).

Allele frequency attached by ClinVar (database versions not stated): gnomAD exomes below 0.00001; ExAC 0.00001; gnomAD 0.00001.
gnomAD v4.1: 3 of 1,613,866 alleles (0.00019%); highest among the groups gnomAD compares: Non-Finnish European, 0.00025%; no homozygotes.

Submission:

Ambry Genetics
Classification: Uncertain significance. Last evaluated: 2022-09-29. Review status: criteria provided, single submitter. Criteria: Ambry Variant Classification Scheme 2023. Collection method: clinical testing. Allele origin: germline.
Comment: The p.K1356E variant (also known as c.4066A>G), located in coding exon 37 of the KIF1B gene, results from an A to G substitution at nucleotide position 4066. The lysine at codon 1356 is replaced by glutamic acid, an amino acid with similar properties. This amino acid position is conserved. In addition, this alteration is predicted to be deleterious by in silico analysis. Since supporting evidence is limited at this time, the clinical significance of this alteration remains unclear.